The following is an entry in ClinVar:

ClinVar aggregate classification (germline): Uncertain significance (1 of 4 stars; one submission).

Conditions:
Familial infantile myasthenia (CMS6). Also called: MYASTHENIC SYNDROME, PRESYNAPTIC, CONGENITAL, ASSOCIATED WITH EPISODIC APNEA; MYASTHENIC SYNDROME, CONGENITAL, 6, PRESYNAPTIC; Congenital myasthenic syndrome type 6. Identifiers: Orphanet 590, MedGen C0393929, MONDO:0009689, OMIM 254210.

Submission:

Neuberg Centre For Genomic Medicine, NCGM
Classification: Uncertain significance for Familial infantile myasthenia. Review status: criteria provided, single submitter. Criteria: ACMG Guidelines, 2015. Collection method: clinical testing. Allele origin: germline. Inheritance: Autosomal recessive inheritance. Affected: yes.
Comment: The observed missense c.461T>G(p.Val154Gly) variant in CHAT gene has not been reported previously as a pathogenic variant nor a benign variant, to our knowledge. The p.Val154Gly variant is absent in gnomAD Exomes. This variant has not been submitted to the ClinVar database. The amino acid change p.Val154Gly in CHAT is predicted as conserved by GERP++ and PhyloP across 100 vertebrates. The amino acid Val at position 154 is changed to a Gly changing protein sequence and it might alter its composition and physico-chemical properties. For these reasons, this variant has been classified as a Variant of Uncertain Significance (VUS).

NM_020549.5(CHAT):c.461T>G (p.Val154Gly)

Gene: CHAT (choline O-acetyltransferase; plus strand). Cytogenetic location: 10q11.23.
Variant type: single nucleotide variant.
Coding change: c.461T>G on transcript NM_020549.5 (MANE Select); coding-DNA position 461, T replaced by G.
Protein change: p.Val154Gly; replaces valine 154 with glycine.
Molecular consequence: missense variant.
Genome position (GRCh38, 1-based): chr10:49,619,798, T>G. VCF-style: chr10-49619798-T-G. GRCh37 (hg19) VCF-style: chr10-50827844-T-G.
Other names: c.107T>G, p.Val36Gly (NM_001142929.2, NM_001142934.2, NM_020984.4 and 2 more transcripts); c.215T>G, p.Val72Gly (NM_001142933.2); short protein forms V154G, V36G, V72G.
Identifiers: ClinVar variation 3242062 (VCV003242062.1), dbSNP rs2496319415.
Genomic context (GRCh38, chr10:49,619,798, plus strand): 5'-TGCCCGTGCCCCCGCTGCAGCAGACCCTGGCCACGTACCTGCAGTGCATGCGACACTTGG[T>G]GTCTGAGGAGCAGTTCAGGAAGAGCCAGGCCATTGTGCAGCAGTTTGGGGCCCCTGGTGG-3'
Protein context (NP_065574.4, residues 144-164): ATYLQCMRHL[Val154Gly]SEEQFRKSQA